The following is an entry in ClinVar:

ClinVar aggregate classification (germline): Uncertain significance (1 of 4 stars; one submission).

Conditions:
Dilated cardiomyopathy 1J (CMD1J). Also called: CARDIOMYOPATHY, DILATED, WITH SENSORINEURAL HEARING LOSS, AUTOSOMAL DOMINANT. Identifiers: Orphanet 217622, MedGen C1854368, MONDO:0011541, OMIM 605362.

Submission:

Labcorp Genetics (formerly Invitae), Labcorp
Classification: Uncertain significance for Dilated cardiomyopathy 1J. Last evaluated: 2017-04-16. Review status: criteria provided, single submitter. Criteria: Invitae Variant Classification Sherloc (09022015). Collection method: clinical testing. Allele origin: germline.
Comment: In summary, this variant is a novel missense change that is not predicted to affect protein function. There is no indication that it causes disease, but the available evidence is currently insufficient to prove that conclusively. Therefore, it has been classified as a Variant of Uncertain Significance. Algorithms developed to predict the effect of missense changes on protein structure and function (SIFT, PolyPhen-2, Align-GVGD) all suggest that this variant is likely to be tolerated, but these predictions have not been confirmed by published functional studies. This variant is not present in population databases (ExAC no frequency) and has not been reported in the literature in individuals with a EYA4-related disease. This sequence change replaces proline with alanine at codon 317 of the EYA4 protein (p.Pro317Ala). The proline residue is weakly conserved and there is a small physicochemical difference between proline and alanine.

NM_004100.5(EYA4):c.949C>G (p.Pro317Ala)

Gene: EYA4 (EYA transcriptional coactivator and phosphatase 4; plus strand). Cytogenetic location: 6q23.2.
Variant type: single nucleotide variant.
Coding change: c.949C>G on transcript NM_004100.5 (MANE Select); coding-DNA position 949, C replaced by G.
Protein change: p.Pro317Ala; replaces proline 317 with alanine.
Molecular consequence: missense variant.
Genome position (GRCh38, 1-based): chr6:133,468,710, C>G. VCF-style: chr6-133468710-C-G. GRCh37 (hg19) VCF-style: chr6-133789848-C-G.
Other names: c.787C>G, p.Pro263Ala (NM_001301012.2, NM_001370459.1); c.949C>G, p.Pro317Ala (NM_001301013.2, NM_172105.4); c.880C>G, p.Pro294Ala (NM_001370458.1, NM_172103.4); short protein forms P317A, P294A, P263A.
Identifiers: ClinVar variation 465992 (VCV000465992.8), dbSNP rs1554263071, ClinGen allele CA365703891.
Genomic context (GRCh38, chr6:133,468,710, plus strand): 5'-AATAACACAGCCGATGGCACACCCTCTTCAACCTCTACTTATCAGTTGCAGGAATCTCTC[C>G]CAGGACTGACTAACCAACCAGGTACAGATCTTCACCCAGGTGAAATACTTTTATATGTTT-3'
Protein context (NP_004091.3, residues 307-327): TSTYQLQESL[Pro317Ala]GLTNQPGEFD